The following is an entry in ClinVar:

NM_001267550.2(TTN):c.96311-8T>C

Genes: TTN (titin; minus strand), TTN-AS1 (TTN antisense RNA 1; plus strand), LOC126806421 (CDK7 strongly-dependent group 2 enhancer GRCh37_chr2:179407630-179408829; plus strand). Cytogenetic location: 2q31.2.
Variant type: single nucleotide variant.
Coding change: c.96311-8T>C on transcript NM_001267550.2 (MANE Select); 8 bases into the intron before coding-DNA position 96311, T replaced by C.
Molecular consequence: intron variant.
Genome position (GRCh38, 1-based): chr2:178,543,670, A>G on the plus strand (T>C on the coding strand, the complement: TTN is on the minus strand). VCF-style: chr2-178543670-A-G. GRCh37 (hg19) VCF-style: chr2-179408397-A-G.
Other names: c.69116-8T>C (NM_003319.4); c.69692-8T>C (NM_133437.4); c.69491-8T>C (NM_133432.3); c.88607-8T>C (NM_133378.4); c.91388-8T>C (NM_001256850.1).
Identifiers: ClinVar variation 3905202 (VCV003905202.10).

ClinVar aggregate classification (germline): Uncertain significance (1 of 4 stars; one submission).

gnomAD v4.1: 1 of 1,565,864 alleles (0.000064%); highest among the groups gnomAD compares: Non-Finnish European, 0.000086%; no homozygotes.

Submission:

CeGaT Center for Human Genetics Tuebingen
Classification: Uncertain significance. Last evaluated: 2025-05-01. Review status: criteria provided, single submitter. Criteria: CeGaT Center For Human Genetics Tuebingen Variant Classification Criteria Version 2. Collection method: clinical testing. Allele origin: germline. Affected: yes. Observed: 1 variant allele.
Comment: TTN: PM2, BP4